The following is an entry in ClinVar:

NM_004369.4(COL6A3):c.6132G>T (p.Gly2044=)

Gene: COL6A3 (collagen type VI alpha 3 chain; minus strand). Cytogenetic location: 2q37.3.
Variant type: single nucleotide variant.
Coding change: c.6132G>T on transcript NM_004369.4 (MANE Select); coding-DNA position 6132, G replaced by T.
Protein change: p.Gly2044=; no amino-acid change (glycine 2044 retained).
Molecular consequence: synonymous variant.
Genome position (GRCh38, 1-based): chr2:237,361,763, C>A on the plus strand (G>T on the coding strand, the complement: COL6A3 is on the minus strand). VCF-style: chr2-237361763-C-A. GRCh37 (hg19) VCF-style: chr2-238270406-C-A.
Other names: c.4311G>T, p.Gly1437= (NM_057166.5); c.5514G>T, p.Gly1838= (NM_057167.4).
Identifiers: ClinVar variation 286029 (VCV000286029.17), dbSNP rs762950440, ClinGen allele CA2188456.

ClinVar aggregate classification (germline): Conflicting classifications of pathogenicity. Review status: criteria provided, conflicting classifications (1 of 4 stars). 4 submissions from 4 submitters: Uncertain significance (1); Likely benign (2). 1 of the submissions does not count toward it. Last evaluated 2026-01-22.

Conditions:
COL6A3-related disorder. Also called: COL6A3-related disorders; COL6A3-related condition.
Bethlem myopathy 1A. Also called: Bethlem Muscular Dystrophy; MYOPATHY, BENIGN CONGENITAL, WITH CONTRACTURES; Bethlem myopathy 1. Identifiers: Orphanet 610, MedGen CN029274, MONDO:0024530, OMIM 158810.

Allele frequency attached by ClinVar (database versions not stated): ExAC 0.00001; gnomAD 0.00003; gnomAD exomes 0.00003 and 0.00008; TOPMed 0.00005.
gnomAD v4.1: 136 of 1,614,080 alleles (0.0084%); highest among the groups gnomAD compares: Non-Finnish European, 0.011%; no homozygotes.

Submissions (4):

Labcorp Genetics (formerly Invitae), Labcorp
Classification: Likely benign for Bethlem myopathy 1A. Last evaluated: 2026-01-22. Review status: criteria provided, single submitter. Criteria: Invitae Variant Classification Sherloc (09022015). Collection method: clinical testing. Allele origin: germline.

GeneDx
Classification: Likely benign. Last evaluated: 2018-02-12. Review status: criteria provided, single submitter. Criteria: GeneDx Variant Classification (06012015). Collection method: clinical testing. Allele origin: germline. Affected: yes.
Comment: This variant is considered likely benign or benign based on one or more of the following criteria: it is a conservative change, it occurs at a poorly conserved position in the protein, it is predicted to be benign by multiple in silico algorithms, and/or has population frequency not consistent with disease.

Eurofins Ntd Llc (ga)
Classification: Uncertain significance. Last evaluated: 2016-02-05. Review status: criteria provided, single submitter. Criteria: EGL Classification Definitions 2015. Collection method: clinical testing. Allele origin: germline. Observed: 1 variant allele, 1 heterozygote.

PreventionGenetics, part of Exact Sciences
Classification: Likely benign for COL6A3-related condition. Last evaluated: 2022-08-29. Review status: no assertion criteria provided. Collection method: clinical testing. Allele origin: germline. Not counted in ClinVar's aggregate classification.
Comment: This variant is classified as likely benign based on ACMG/AMP sequence variant interpretation guidelines (Richards et al. 2015 PMID: 25741868, with internal and published modifications).